The following is an entry in ClinVar:

NM_000256.3(MYBPC3):c.3138G>A (p.Thr1046=)

Gene: MYBPC3 (myosin binding protein C3; minus strand). Cytogenetic location: 11p11.2.
Variant type: single nucleotide variant.
Coding change: c.3138G>A on transcript NM_000256.3 (MANE Select); coding-DNA position 3138, G replaced by A.
Protein change: p.Thr1046=; no amino-acid change (threonine 1046 retained).
Molecular consequence: synonymous variant.
Genome position (GRCh38, 1-based): chr11:47,333,609, C>T on the plus strand (G>A on the coding strand, the complement: MYBPC3 is on the minus strand). VCF-style: chr11-47333609-C-T. GRCh37 (hg19) VCF-style: chr11-47355160-C-T.
Other names: c.3138G>A, p.Thr1046= (LRG_386t1).
Identifiers: ClinVar variation 378195 (VCV000378195.16), dbSNP rs762154672, ClinGen allele CA079156.

ClinVar aggregate classification (germline): Conflicting classifications of pathogenicity. Review status: criteria provided, conflicting classifications (1 of 4 stars). 7 submissions from 7 submitters: Uncertain significance (1); Benign (1); Likely benign (5). Last evaluated 2026-03-26.

Conditions:
Hypertrophic cardiomyopathy. Also called: HYPERTROPHIC MYOCARDIOPATHY. Identifiers: Orphanet 217569, MedGen C0007194, MeSH D002312, MONDO:0005045, HP:0001639.
MYBPC3-related disorder. Also called: MYBPC3-related condition; MYBPC3-related disease; MYBPC3-related disorders.
Cardiovascular phenotype. Identifiers: MedGen CN230736.
Cardiomyopathy (CMYO). Also called: Cardiomyopathies. Identifiers: Orphanet 167848, MedGen C0878544, MONDO:0004994, HP:0001638. Inheritance: Various modes of inheritance.

Allele frequency attached by ClinVar (database versions not stated): TOPMed 0.00001; ExAC 0.00002; gnomAD 0.00002; gnomAD exomes 0.00002.

Submissions (7):

PreventionGenetics, part of Exact Sciences
Classification: Likely benign for MYBPC3-related condition. Last evaluated: 2026-03-26. Review status: criteria provided, single submitter. Criteria: ACMG Guidelines, 2015. Collection method: clinical testing. Allele origin: germline.
Comment: This variant is classified as likely benign based on ACMG/AMP sequence variant interpretation guidelines (Richards et al. 2015 PMID: 25741868, with internal and published modifications).

Labcorp Genetics (formerly Invitae), Labcorp
Classification: Likely benign for Hypertrophic cardiomyopathy. Last evaluated: 2025-01-08. Review status: criteria provided, single submitter. Criteria: Invitae Variant Classification Sherloc (09022015). Collection method: clinical testing. Allele origin: germline.

Women's Health and Genetics/Laboratory Corporation of America, LabCorp
Classification: Likely benign. Last evaluated: 2022-08-27. Review status: criteria provided, single submitter. Criteria: LabCorp Variant Classification Summary - May 2015. Collection method: clinical testing. Allele origin: germline.

Ambry Genetics
Classification: Uncertain significance for Cardiovascular phenotype. Last evaluated: 2021-09-17. Review status: criteria provided, single submitter. Criteria: Ambry Variant Classification Scheme 2023. Collection method: clinical testing. Allele origin: germline.
Comment: The c.3138G>A (p.T1046T) alteration is located in exon 29 (coding exon 29) of the MYBPC3 gene. This alteration consists of a G to A substitution at nucleotide position 3138. This nucleotide substitution does not change the amino acid at codon 1046. However, this change occurs in the last nucleotide of Exon 29 (c.2995_3190) which makes it likely to have some effect on normal mRNA splicing. Based on insufficient or conflicting evidence, the clinical significance of this alteration remains unclear.

Blueprint Genetics
Classification: Likely benign. Last evaluated: 2021-09-01. Review status: criteria provided, single submitter. Criteria: ACMG Guidelines, 2015. Collection method: clinical testing. Allele origin: germline.

Color Diagnostics, LLC DBA Color Health
Classification: Likely benign for Cardiomyopathy. Last evaluated: 2021-02-16. Review status: criteria provided, single submitter. Criteria: ACMG Guidelines, 2015. Collection method: clinical testing. Allele origin: germline.

GeneDx
Classification: Benign. Last evaluated: 2015-04-16. Review status: criteria provided, single submitter. Criteria: GeneDx Variant Classification (06012015). Collection method: clinical testing. Allele origin: germline. Affected: yes.
Comment: This variant is considered likely benign or benign based on one or more of the following criteria: it is a conservative change, it occurs at a poorly conserved position in the protein, it is predicted to be benign by multiple in silico algorithms, and/or has population frequency not consistent with disease.